The following is an entry in ClinVar:

NM_024675.4(PALB2):c.2754A>G (p.Pro918=)

Gene: PALB2 (partner and localizer of BRCA2; minus strand). Cytogenetic location: 16p12.2.
Variant type: single nucleotide variant.
Coding change: c.2754A>G on transcript NM_024675.4 (MANE Select); coding-DNA position 2754, A replaced by G.
Protein change: p.Pro918=; no amino-acid change (proline 918 retained).
Molecular consequence: synonymous variant.
Genome position (GRCh38, 1-based): chr16:23,624,089, T>C on the plus strand (A>G on the coding strand, the complement: PALB2 is on the minus strand). VCF-style: chr16-23624089-T-C. GRCh37 (hg19) VCF-style: chr16-23635410-T-C.
Other names: c.2754A>G (NM_024675.3).
Identifiers: ClinVar variation 1629602 (VCV001629602.12), dbSNP rs2142344640, ClinGen allele CA494181292.
Genomic context (GRCh38, chr16:23,624,089, plus strand): 5'-ATTTCCCAAAGCTACACACACGAGATTATACACATCAGGCACTGGAACTATCTGTAATAC[T>C]GGAACCTAAATAAAACAAAGCAGCCAAAAATTATGCTTGGTTGTTTCATTTTTGTTTAAT-3'
Protein context (NP_078951.2, residues 908-928): KLYTWHFAEV[Pro918=]VLQIVPVPDV

ClinVar aggregate classification (germline): Benign/Likely benign. Review status: criteria provided, multiple submitters, no conflicts (2 of 4 stars). 3 submissions from 3 submitters: Benign (1); Likely benign (2). Last evaluated 2025-01-17.

Conditions:
Hereditary cancer-predisposing syndrome. Also called: Neoplastic Syndromes, Hereditary; Tumor predisposition; Hereditary Cancer Syndrome; Hereditary neoplastic syndrome. Identifiers: Orphanet 140162, MedGen C0027672, MeSH D009386, MONDO:0015356.
Familial cancer of breast. Also called: BREAST CANCER, FAMILIAL; Hereditary breast cancer; hereditary breast carcinoma. Identifiers: Orphanet 227535, MedGen C0346153, MONDO:0016419, OMIM 114480. Disease mechanism: loss of function.

Submissions (3):

Myriad Genetics, Inc.
Classification: Benign for Familial cancer of breast. Last evaluated: 2025-01-17. Review status: criteria provided, single submitter. Criteria: Myriad Autosomal Dominant, Autosomal Recessive and X-Linked Classification Criteria (2023). Collection method: clinical testing. Allele origin: unknown.
Comment: This variant is considered benign. This variant is a silent/synonymous amino acid change and it is not expected to impact splicing.

Ambry Genetics
Classification: Likely benign for Hereditary cancer-predisposing syndrome. Last evaluated: 2023-02-10. Review status: criteria provided, single submitter. Criteria: Ambry Variant Classification Scheme 2023. Collection method: clinical testing. Allele origin: germline.

Labcorp Genetics (formerly Invitae), Labcorp
Classification: Likely benign for Familial cancer of breast. Last evaluated: 2021-01-28. Review status: criteria provided, single submitter. Criteria: Invitae Variant Classification Sherloc (09022015). Collection method: clinical testing. Allele origin: germline.